The following is an entry in ClinVar:

ClinVar aggregate classification (germline): Uncertain significance (1 of 4 stars; one submission).

gnomAD v4.1: 2 of 1,503,848 alleles (0.00013%); highest among the groups gnomAD compares: East Asian, 0.0023%; no homozygotes.

Submission:

GeneDx
Classification: Uncertain significance. Last evaluated: 2025-01-22. Review status: criteria provided, single submitter. Criteria: GeneDx Variant Classification Process June 2021. Collection method: clinical testing. Allele origin: germline. Affected: yes.
Comment: Not observed at significant frequency in large population cohorts (gnomAD); In silico analysis indicates that this missense variant does not alter protein structure/function; Has not been previously published as pathogenic or benign to our knowledge

NM_182931.3(KMT2E):c.1276A>G (p.Ile426Val)

Gene: KMT2E (lysine methyltransferase 2E (inactive); plus strand). Cytogenetic location: 7q22.3.
Variant type: single nucleotide variant.
Coding change: c.1276A>G on transcript NM_182931.3 (MANE Select); coding-DNA position 1276, A replaced by G.
Protein change: p.Ile426Val; replaces isoleucine 426 with valine.
Molecular consequence: missense variant.
Genome position (GRCh38, 1-based): chr7:105,081,715, A>G. VCF-style: chr7-105081715-A-G. GRCh37 (hg19) VCF-style: chr7-104722162-A-G.
Other names: c.1276A>G, p.Ile426Val (NM_001410908.1, NM_018682.4); short protein forms I426V.
Identifiers: ClinVar variation 4071741 (VCV004071741.1).